The following is an entry in ClinVar:

NM_001042492.3(NF1):c.405dup (p.Asn136fs)

Gene: NF1 (neurofibromin 1; plus strand). Cytogenetic location: 17q11.2.
Variant type: Duplication.
Coding change: c.405dup on transcript NM_001042492.3 (MANE Select); coding-DNA position 405, one base duplicated (G; older notation c.405dupG).
Protein change: p.Asn136fs; shifts the reading frame from asparagine 136.
Molecular consequence: frameshift variant.
Genome position (GRCh38, 1-based): chr17:31,163,302, G duplicated; the last of 2 consecutive G bases (chr17:31,163,301-31,163,302); duplicating either gives the same sequence. VCF-style (leftmost placement, unchanged base first): chr17-31163300-C-CG. GRCh37 (hg19) VCF-style: chr17-29490318-C-CG.
Other names: c.405dup, p.Asn136fs (NM_000267.4, NM_001128147.3); c.405dupG (NM_000267.3); short protein forms N136fs.
Identifiers: ClinVar variation 5025561 (VCV005025561.1).

ClinVar aggregate classification (germline): Pathogenic (1 of 4 stars; one submission).

Conditions:
Cardiovascular phenotype. Identifiers: MedGen CN230736.
Hereditary cancer-predisposing syndrome. Also called: Neoplastic Syndromes, Hereditary; Tumor predisposition; Hereditary neoplastic syndrome; Hereditary Cancer Syndrome. Identifiers: Orphanet 140162, MedGen C0027672, MeSH D009386, MONDO:0015356.

Submission:

Ambry Genetics
Classification: Pathogenic for Cardiovascular phenotype; Hereditary cancer-predisposing syndrome. Last evaluated: 2026-07-15. Review status: criteria provided, single submitter. Criteria: Ambry Variant Classification Scheme 2023. Collection method: clinical testing. Allele origin: germline.
Comment: The c.405dupG pathogenic mutation, located in coding exon 4 of the NF1 gene, results from a duplication of G at nucleotide position 405, causing a translational frameshift with a predicted alternate stop codon (p.N136Efs*20). This variant is considered to be rare based on population cohorts in the Genome Aggregation Database (gnomAD). This variant is expected to result in loss of function by premature protein truncation or nonsense-mediated mRNA decay. As such, this variant is interpreted as a disease-causing mutation.